The following is an entry in ClinVar:

ClinVar aggregate classification (germline): Likely benign (1 of 4 stars; one submission).

Submission:

CeGaT Center for Human Genetics Tuebingen
Classification: Likely benign. Last evaluated: 2026-08-01. Review status: criteria provided, single submitter. Criteria: CeGaT Center For Human Genetics Tuebingen Variant Classification Criteria Version 2. Collection method: clinical testing. Allele origin: germline. Affected: yes. Observed: 1 variant allele.
Comment: SRP14: PM2:Supporting, BP4, BP7

NM_003134.6(SRP14):c.378A>C (p.Thr126=)

Gene: SRP14 (signal recognition particle 14; minus strand). Cytogenetic location: 15q15.1.
Variant type: single nucleotide variant.
Coding change: c.378A>C on transcript NM_003134.6 (MANE Select); coding-DNA position 378, A replaced by C.
Protein change: p.Thr126=; no amino-acid change (threonine 126 retained).
Molecular consequence: synonymous variant.
Genome position (GRCh38, 1-based): chr15:40,036,366, T>G on the plus strand (A>C on the coding strand, the complement: SRP14 is on the minus strand). VCF-style: chr15-40036366-T-G. GRCh37 (hg19) VCF-style: chr15-40328567-T-G.
Other names: c.234A>C, p.Thr78= (NM_001309434.1).
Identifiers: ClinVar variation 5039214 (VCV005039214.1).
Genomic context (GRCh38, chr15:40,036,366, plus strand): 5'-TTGGTGAAAGCAGGAAATGTATGCCCTTTACTGTGCTGCTGTTGCTGCTGTTGTTGCTGC[T>G]GTTGTTGGTGCTGTTGCTGCTGCGGCAGGTGCTGCTGCTGCTGCTGCTGCTGCTGCTTTG-3'
Protein context (NP_003125.3, residues 116-136): APAAAATAPT[Thr126=]AATTAATAAQ